The following is an entry in ClinVar:

ClinVar aggregate classification (germline): Uncertain significance (1 of 4 stars; one submission).

Allele frequency attached by ClinVar (database versions not stated): gnomAD exomes below 0.00001; gnomAD 0.00001; TOPMed 0.00002.
gnomAD v4.1: 2 of 1,614,092 alleles (0.00012%); highest among the groups gnomAD compares: Middle Eastern, 0.016%; no homozygotes.

Submission:

Labcorp Genetics (formerly Invitae), Labcorp
Classification: Uncertain significance. Last evaluated: 2022-05-21. Review status: criteria provided, single submitter. Criteria: Invitae Variant Classification Sherloc (09022015). Collection method: clinical testing. Allele origin: germline.
Comment: This variant has not been reported in the literature in individuals affected with TMEM107-related conditions. In summary, the available evidence is currently insufficient to determine the role of this variant in disease. Therefore, it has been classified as a Variant of Uncertain Significance. Algorithms developed to predict the effect of missense changes on protein structure and function output the following: SIFT: "Tolerated"; PolyPhen-2: "Benign"; Align-GVGD: "Class C0". The leucine amino acid residue is found in multiple mammalian species, which suggests that this missense change does not adversely affect protein function. This variant is not present in population databases (gnomAD no frequency). This sequence change replaces serine, which is neutral and polar, with leucine, which is neutral and non-polar, at codon 79 of the TMEM107 protein (p.Ser79Leu).

NM_183065.4(TMEM107):c.218C>T (p.Ser73Leu)

Genes: TMEM107 (transmembrane protein 107; minus strand), LOC105371520 (uncharacterized LOC105371520; plus strand), LOC130060224 (ATAC-STARR-seq lymphoblastoid active region 11673; plus strand). Cytogenetic location: 17p13.1.
Variant type: single nucleotide variant.
Coding change: c.218C>T on transcript NM_183065.4 (MANE Select); coding-DNA position 218, C replaced by T.
Protein change: p.Ser73Leu; replaces serine 73 with leucine.
Molecular consequence: missense variant. On other transcripts: intron variant (1).
Genome position (GRCh38, 1-based): chr17:8,175,795, G>A on the plus strand (C>T on the coding strand, the complement: TMEM107 is on the minus strand). VCF-style: chr17-8175795-G-A. GRCh37 (hg19) VCF-style: chr17-8079113-G-A.
Other names: c.236C>T, p.Ser79Leu (NM_001351278.2, NM_032354.5); c.218C>T, p.Ser73Leu (NM_001351279.2); c.155+164C>T (NM_001351280.2); short protein forms S73L, S79L.
Identifiers: ClinVar variation 1908788 (VCV001908788.5), dbSNP rs969768247, ClinGen allele CA287528127.